The following is an entry in ClinVar:

ClinVar aggregate classification (germline): Uncertain significance (1 of 4 stars; one submission).

Submission:

Labcorp Genetics (formerly Invitae), Labcorp
Classification: Uncertain significance. Last evaluated: 2022-12-30. Review status: criteria provided, single submitter. Criteria: Invitae Variant Classification Sherloc (09022015). Collection method: clinical testing. Allele origin: germline.
Comment: In summary, the available evidence is currently insufficient to determine the role of this variant in disease. Therefore, it has been classified as a Variant of Uncertain Significance. Advanced modeling of protein sequence and biophysical properties (such as structural, functional, and spatial information, amino acid conservation, physicochemical variation, residue mobility, and thermodynamic stability) performed at Invitae indicates that this missense variant is expected to disrupt CSF2RB protein function. This variant has not been reported in the literature in individuals affected with CSF2RB-related conditions. This variant is not present in population databases (gnomAD no frequency). This sequence change replaces proline, which is neutral and non-polar, with alanine, which is neutral and non-polar, at codon 808 of the CSF2RB protein (p.Pro808Ala).

NM_000395.3(CSF2RB):c.2422C>G (p.Pro808Ala)

Gene: CSF2RB (colony stimulating factor 2 receptor subunit beta; plus strand). Cytogenetic location: 22q12.3.
Variant type: single nucleotide variant.
Coding change: c.2422C>G on transcript NM_000395.3 (MANE Select); coding-DNA position 2422, C replaced by G.
Protein change: p.Pro808Ala; replaces proline 808 with alanine.
Molecular consequence: missense variant.
Genome position (GRCh38, 1-based): chr22:36,938,230, C>G. VCF-style: chr22-36938230-C-G. GRCh37 (hg19) VCF-style: chr22-37334272-C-G.
Other names: c.2440C>G, p.Pro814Ala (NM_001410827.1); short protein forms P814A, P808A.
Identifiers: ClinVar variation 2825056 (VCV002825056.3), dbSNP rs2518011552, ClinGen allele CA411411460.